The following is an entry in ClinVar:

NM_003000.3(SDHB):c.395A>G (p.His132Arg)

Gene: SDHB (succinate dehydrogenase complex iron sulfur subunit B; minus strand). Cytogenetic location: 1p36.13.
Variant type: single nucleotide variant.
Coding change: c.395A>G on transcript NM_003000.3 (MANE Select); coding-DNA position 395, A replaced by G.
Protein change: p.His132Arg; replaces histidine 132 with arginine.
Molecular consequence: missense variant.
Genome position (GRCh38, 1-based): chr1:17,028,628, T>C on the plus strand (A>G on the coding strand, the complement: SDHB is on the minus strand). VCF-style: chr1-17028628-T-C. GRCh37 (hg19) VCF-style: chr1-17355123-T-C.
Other names: short protein forms H132R.
Identifiers: ClinVar variation 412452 (VCV000412452.27), dbSNP rs74315372, ClinGen allele CA16609937.

ClinVar aggregate classification (germline): Uncertain significance. Review status: criteria provided, multiple submitters, no conflicts (2 of 4 stars). 12 submissions from 11 submitters: Uncertain significance (11). 1 of the submissions does not count toward it. Last evaluated 2025-12-22.

Conditions:
Gastrointestinal stromal tumor. Also called: Gastrointestinal stroma tumor; Gastrointestinal stromal tumor, somatic. Identifiers: Orphanet 44890, MedGen C0238198, MeSH D046152, MONDO:0011719, OMIM 606764, HP:0100723.
Mitochondrial complex 2 deficiency, nuclear type 4. Also called: MITOCHONDRIAL COMPLEX II DEFICIENCY, NUCLEAR TYPE 4. Identifiers: MedGen C5543176, MONDO:0030974, OMIM 619224.
Carney-Stratakis syndrome. Also called: PARAGANGLIOMA AND GASTROINTESTINAL STROMAL TUMOR. Identifiers: Orphanet 97286, MedGen C1847319, MONDO:0011740, OMIM 606864.
Pheochromocytoma/paraganglioma syndrome 4. Also called: PARAGANGLIOMA, FAMILIAL MALIGNANT; PARAGANGLIOMAS, HEREDITARY EXTRAADRENAL; PHEOCHROMOCYTOMA, FAMILIAL EXTRAADRENAL; CAROTID BODY TUMORS AND MULTIPLE EXTRAADRENAL PHEOCHROMOCYTOMAS; SDHB-Related Hereditary Paraganglioma-Pheochromocytoma Syndrome; Paragangliomas 4. Identifiers: Orphanet 29072, MedGen C1861848, MONDO:0007273, OMIM 115310.
Pheochromocytoma. Also called: MAX-Related Hereditary Paraganglioma-Pheochromocytoma Syndrome. Identifiers: Orphanet 29072, MedGen C0031511, MONDO:0008233, OMIM 171300, HP:0002666.
Hereditary cancer-predisposing syndrome. Also called: Neoplastic Syndromes, Hereditary; Tumor predisposition; Hereditary Cancer Syndrome; Hereditary neoplastic syndrome. Identifiers: Orphanet 140162, MedGen C0027672, MeSH D009386, MONDO:0015356.
Hereditary pheochromocytoma and paraganglioma. Also called: Hereditary pheochromocytoma-paraganglioma; Hereditary paragangliomas and pheochromocytomas; Hereditary Paraganglioma-Pheochromocytoma Syndromes. Identifiers: Orphanet 29072, MedGen C4274332, MONDO:0017366.

gnomAD v4.1: 5 of 1,614,168 alleles (0.00031%); highest among the groups gnomAD compares: Non-Finnish European, 0.00042%; no homozygotes.

Submissions (12):

Labcorp Genetics (formerly Invitae), Labcorp
Classification: Uncertain significance for Gastrointestinal stromal tumor; Pheochromocytoma/paraganglioma syndrome 4; Pheochromocytoma. Last evaluated: 2025-12-22. Review status: criteria provided, single submitter. Criteria: Invitae Variant Classification Sherloc (09022015). Collection method: clinical testing. Allele origin: germline.
Comment: This sequence change replaces histidine, which is basic and polar, with arginine, which is basic and polar, at codon 132 of the SDHB protein (p.His132Arg). This variant is not present in population databases (gnomAD no frequency). This missense change has been observed in individual(s) with clinical features of gastrointestinal stromal tumor syndrome (internal data). ClinVar contains an entry for this variant (Variation ID: 412452). Invitae Evidence Modeling of protein sequence and biophysical properties (such as structural, functional, and spatial information, amino acid conservation, physicochemical variation, residue mobility, and thermodynamic stability) indicates that this missense variant is expected to disrupt SDHB protein function with a positive predictive value of 80%. This variant disrupts the p.His132 amino acid residue in SDHB. Other variant(s) that disrupt this residue have been observed in individuals with SDHB-related conditions (PMID: 14715873, 31492822), which suggests that this may be a clinically significant amino acid residue. In summary, the available evidence is currently insufficient to determine the role of this variant in disease. Therefore, it has been classified as a Variant of Uncertain Significance.

Center for Genomic Medicine, Rigshospitalet, Copenhagen University Hospital
Classification: Uncertain significance. Last evaluated: 2025-03-04. Review status: criteria provided, single submitter. Criteria: ACMG Guidelines, 2015. Collection method: clinical testing. Allele origin: germline.

Blueprint Genetics
Classification: Uncertain significance. Last evaluated: 2024-09-17. Review status: criteria provided, single submitter. Criteria: ACMG Guidelines, 2015. Collection method: clinical testing. Allele origin: germline.

Fulgent Genetics
Classification: Uncertain significance for Pheochromocytoma/paraganglioma syndrome 4; Gastrointestinal stromal tumor; Carney-Stratakis syndrome; Mitochondrial complex 2 deficiency, nuclear type 4. Last evaluated: 2024-05-14. Review status: criteria provided, single submitter. Criteria: ACMG Guidelines, 2015. Collection method: clinical testing. Allele origin: germline.

Baylor Genetics
Classification: Uncertain significance for Gastrointestinal stromal tumor. Last evaluated: 2024-02-22. Review status: criteria provided, single submitter. Criteria: ACMG Guidelines, 2015. Collection method: clinical testing. Allele origin: unknown.

Quest Diagnostics Nichols Institute San Juan Capistrano
Classification: Uncertain significance. Last evaluated: 2023-11-17. Review status: criteria provided, single submitter. Criteria: Quest Diagnostics criteria. Collection method: clinical testing. Allele origin: unknown.

Ambry Genetics
Classification: Uncertain significance for Hereditary cancer-predisposing syndrome. Last evaluated: 2023-10-25. Review status: criteria provided, single submitter. Criteria: Ambry Variant Classification Scheme 2023. Collection method: clinical testing. Allele origin: germline.
Comment: The p.H132R variant (also known as c.395A>G), located in coding exon 4 of the SDHB gene, results from an A to G substitution at nucleotide position 395. The histidine at codon 132 is replaced by arginine, an amino acid with highly similar properties. This amino acid position is highly conserved in available vertebrate species. In addition, this alteration is predicted to be deleterious by in silico analysis. Since supporting evidence is limited at this time, the clinical significance of this alteration remains unclear.

All of Us Research Program, National Institutes of Health
Classification: Uncertain significance for Hereditary pheochromocytoma and paraganglioma. Last evaluated: 2023-08-08. Review status: criteria provided, single submitter. Criteria: ACMG Guidelines, 2015. Collection method: clinical testing. Allele origin: germline. Inheritance: Autosomal dominant inheritance. Observed: 2 variant alleles, 2 heterozygotes.
Comment: This missense variant replaces histidine with arginine at codon 132 of the SDHB protein. Computational prediction suggests that this variant may have deleterious impact on protein structure and function (internally defined REVEL score threshold >= 0.7, PMID: 27666373). To our knowledge, functional studies have not been reported for this variant. Another variant at this position has be classified as pathogenic in ClinVar indicating this amino acid position may be important for function (ClinVar Variation ID: VCV000012787). This variant has not been reported in individuals affected with SDHB-related disorders in the literature. This variant has not been identified in the general population by the Genome Aggregation Database (gnomAD). The available evidence is insufficient to determine the role of this variant in disease conclusively. Therefore, this variant is classified as a Variant of Uncertain Significance.

This study involves interpretation of variants in research participants for the purpose of population health screening. Participant phenotype was not available at the time of variant classification. Additional details can be found in publication PMID: 35346344, PMCID: PMC8962531

Centre for Mendelian Genomics, University Medical Centre Ljubljana
Classification: Uncertain significance for Pheochromocytoma/paraganglioma syndrome 4. Last evaluated: 2019-04-30. Review status: criteria provided, single submitter. Criteria: ACMG Guidelines, 2015. Collection method: clinical testing. Allele origin: unknown. Affected: yes.
Comment: This variant was classified as: Uncertain significance. The available evidence on this variant's pathogenicity is insufficient or conflicting. The following ACMG criteria were applied in classifying this variant: PM2,PM5,PP3.

Illumina Laboratory Services, Illumina
Classification: Uncertain significance for Hereditary Paraganglioma-Pheochromocytoma Syndromes. Last evaluated: 2017-04-28. Review status: criteria provided, single submitter. Criteria: ICSL Variant Classification Criteria 13 December 2019. Collection method: clinical testing. Allele origin: germline.

Illumina Laboratory Services, Illumina
Classification: Uncertain significance for Carney-Stratakis syndrome. Last evaluated: 2017-04-28. Review status: criteria provided, single submitter. Criteria: ICSL Variant Classification Criteria 13 December 2019. Collection method: clinical testing. Allele origin: germline.

Department of Pathology and Laboratory Medicine, Sinai Health System
Classification: Uncertain significance. Review status: no assertion criteria provided. Collection method: clinical testing. Allele origin: unknown. Affected: yes. Study: The Canadian Open Genetics Repository (COGR). Not counted in ClinVar's aggregate classification.
Comment: The SDHB p.His132Arg variant was not identified in the literature nor was it identified in LOVD 3.0. The variant was identified in dbSNP (ID: rs74315372) and ClinVar (classified as uncertain significance by Invitae for Gastrointestinal stroma tumor, Paragangliomas 4 and Pheochromocytoma). The variant was not identified in the following control databases: the 1000 Genomes Project, the NHLBI GO Exome Sequencing Project, or the Genome Aggregation Database (March 6, 2019, v2.1.1). The p.His132 residue is conserved across mammals and other organisms, and four out of five computational analyses (PolyPhen-2, SIFT, AlignGVGD, BLOSUM, MutationTaster) suggest that the variant may impact the protein; however, this information is not predictive enough to assume pathogenicity. The variant occurs outside of the splicing consensus sequence and 1 of 4 in silico or computational prediction software programs (SpliceSiteFinder, MaxEntScan, NNSPLICE, GeneSplicer) predict a greater than 10% difference in splicing; this is not very predictive of pathogenicity. In summary, based on the above information the clinical significance of this variant cannot be determined with certainty at this time. This variant is classified as a variant of uncertain significance.

Literature cited by the submitters: PubMed 14715873 (cited by Labcorp Genetics (formerly Invitae), Labcorp); PubMed 31492822 (cited by Labcorp Genetics (formerly Invitae), Labcorp).